The following is an entry in ClinVar:

NM_001366385.1(CARD14):c.27C>T (p.Ser9=)

Gene: CARD14 (caspase recruitment domain family member 14; plus strand). Cytogenetic location: 17q25.3.
Variant type: single nucleotide variant.
Coding change: c.27C>T on transcript NM_001366385.1 (MANE Select); coding-DNA position 27, C replaced by T.
Protein change: p.Ser9=; no amino-acid change (serine 9 retained).
Molecular consequence: synonymous variant. On other transcripts: non-coding transcript variant (1).
Genome position (GRCh38, 1-based): chr17:80,181,465, C>T. VCF-style: chr17-80181465-C-T. GRCh37 (hg19) VCF-style: chr17-78155264-C-T.
Other names: c.27C>T, p.Ser9= (NM_001257970.1, NM_024110.4).
Identifiers: ClinVar variation 722898 (VCV000722898.18), dbSNP rs9895931, ClinGen allele CA8816322.

ClinVar aggregate classification (germline): Benign/Likely benign. Review status: criteria provided, multiple submitters, no conflicts (2 of 4 stars). 5 submissions from 5 submitters: Benign (2); Likely benign (2). 1 of the submissions does not count toward it. Last evaluated 2026-03-27.

Conditions:
Autoinflammatory syndrome. Identifiers: Orphanet 93665, MedGen C3890737, MONDO:0019751.
CARD14-related disorder. Also called: CARD14-related condition.
Pityriasis rubra pilaris (PRP). Also called: Pityriasis rubra pilaris--familial type. Identifiers: Orphanet 2897, MedGen C0032027, MONDO:0100017, OMIM 173200, MONDO:0008251.
Psoriasis 2. Identifiers: MedGen C1864497, MONDO:0011269, OMIM 602723.

Allele frequency attached by ClinVar (database versions not stated): 1000 Genomes Project 30x 0.00016; 1000 Genomes Project 0.00020; TOPMed 0.00023; gnomAD 0.00026 and 0.00027; ESP Exome Variant Server 0.00031; gnomAD exomes 0.00040; ExAC 0.00148.
gnomAD v4.1: 715 of 1,581,780 alleles (0.045%); highest among the groups gnomAD compares: South Asian, 0.13%; 3 homozygotes.

Submissions (5):

Women's Health and Genetics/Laboratory Corporation of America, LabCorp
Classification: Benign. Last evaluated: 2026-03-27. Review status: criteria provided, single submitter. Criteria: LabCorp Variant Classification Summary - May 2015. Collection method: clinical testing. Allele origin: germline.

Labcorp Genetics (formerly Invitae), Labcorp
Classification: Benign for Pityriasis rubra pilaris; Psoriasis 2. Last evaluated: 2026-02-04. Review status: criteria provided, single submitter. Criteria: Invitae Variant Classification Sherloc (09022015). Collection method: clinical testing. Allele origin: germline.

Blueprint Genetics
Classification: Likely benign. Last evaluated: 2024-11-27. Review status: criteria provided, single submitter. Criteria: ACMG Guidelines, 2015. Collection method: clinical testing. Allele origin: germline.

Genome Diagnostics Laboratory, The Hospital for Sick Children
Classification: Likely benign for Autoinflammatory syndrome. Last evaluated: 2022-05-03. Review status: criteria provided, single submitter. Criteria: ACMG Guidelines, 2015. Collection method: clinical testing. Allele origin: germline. Affected: yes.

PreventionGenetics, part of Exact Sciences
Classification: Likely benign for CARD14-related condition. Last evaluated: 2022-04-25. Review status: no assertion criteria provided. Collection method: clinical testing. Allele origin: germline. Not counted in ClinVar's aggregate classification.
Comment: This variant is classified as likely benign based on ACMG/AMP sequence variant interpretation guidelines (Richards et al. 2015 PMID: 25741868, with internal and published modifications).